The following is an entry in ClinVar:

NM_016360.4(TACO1):c.226G>T (p.Glu76Ter)

Gene: TACO1 (translational activator of cytochrome c oxidase I; plus strand). Cytogenetic location: 17q23.3.
Variant type: single nucleotide variant.
Coding change: c.226G>T on transcript NM_016360.4 (MANE Select); coding-DNA position 226, G replaced by T.
Protein change: p.Glu76Ter; replaces glutamic acid 76 with a stop codon.
Molecular consequence: nonsense.
Genome position (GRCh38, 1-based): chr17:63,601,309, G>T. VCF-style: chr17-63601309-G-T. GRCh37 (hg19) VCF-style: chr17-61678668-G-T.
Other names: short protein forms E76*.
Identifiers: ClinVar variation 4540002 (VCV004540002.1).
Genomic context (GRCh38, chr17:63,601,309, plus strand): 5'-GTCCCCGCCGGGCACAACAAGTGGTCCAAAGTCAGGCACATCAAGGGTCCGAAGGACGTC[G>T]AAAGGAGTCGCATCTTCTCCAAACTCTGTTTGAACATCCGCCTGGCAGTGAAAGGTGAGA-3'

ClinVar aggregate classification (germline): Likely pathogenic (1 of 4 stars; one submission).

Submission:

GeneDx
Classification: Likely pathogenic. Last evaluated: 2025-06-25. Review status: criteria provided, single submitter. Criteria: GeneDx Variant Classification Process June 2021. Collection method: clinical testing. Allele origin: germline. Affected: yes.
Comment: Nonsense variant predicted to result in protein truncation or nonsense mediated decay in a gene for which loss of function is a known mechanism of disease; Not observed at significant frequency in large population cohorts (gnomAD); Has not been previously published as pathogenic or benign to our knowledge